The following is an entry in ClinVar:

NM_006767.4(LZTR1):c.2223C>A (p.Tyr741Ter)

Gene: LZTR1 (leucine zipper like post translational regulator 1; plus strand). Cytogenetic location: 22q11.21.
Variant type: single nucleotide variant.
Coding change: c.2223C>A on transcript NM_006767.4 (MANE Select); coding-DNA position 2223, C replaced by A.
Protein change: p.Tyr741Ter; replaces tyrosine 741 with a stop codon.
Molecular consequence: nonsense.
Genome position (GRCh38, 1-based): chr22:20,996,699, C>A. VCF-style: chr22-20996699-C-A. GRCh37 (hg19) VCF-style: chr22-21350988-C-A.
Other names: short protein forms Y741*.
Identifiers: ClinVar variation 1787959 (VCV001787959.2), dbSNP rs756794250, ClinGen allele CA410780727.

ClinVar aggregate classification (germline): Pathogenic (1 of 4 stars; one submission).

Conditions:
Hereditary cancer-predisposing syndrome. Also called: Neoplastic Syndromes, Hereditary; Tumor predisposition; Hereditary Cancer Syndrome; Hereditary neoplastic syndrome. Identifiers: Orphanet 140162, MedGen C0027672, MeSH D009386, MONDO:0015356.
Cardiovascular phenotype. Identifiers: MedGen CN230736.

Submission:

Ambry Genetics
Classification: Pathogenic for Cardiovascular phenotype; Hereditary cancer-predisposing syndrome. Last evaluated: 2022-10-07. Review status: criteria provided, single submitter. Criteria: Ambry Variant Classification Scheme 2023. Collection method: clinical testing. Allele origin: germline.
Comment: The p.Y741* pathogenic mutation (also known as c.2223C>A), located in coding exon 19 of the LZTR1 gene, results from a C to A substitution at nucleotide position 2223. This changes the amino acid from a tyrosine to a stop codon within coding exon 19. This alteration is expected to result in loss of function by premature protein truncation or nonsense-mediated mRNA decay. Loss-of-function variants in LZTR1 are related to an increased risk for schwannomas and autosomal recessive Noonan syndrome; however, such associations with autosomal dominant Noonan syndrome have not been observed (Piotrowski A et al. Nat Genet. 2014 Feb;46:182-7; Yamamoto GL et al. J Med Genet. 2015 Jun;52:413-21; Johnston JJ et al. Genet Med. 2018 10;20:1175-1185). Based on the supporting evidence, this variant is pathogenic for an increased risk of LZTR1-related schwannomatosis (SWN) and would be expected to cause autosomal recessive Noonan syndrome when present along with a second pathogenic or likely pathogenic variant on the other allele; however, the association of this alteration with autosomal dominant Noonan syndrome is unlikely.